The following is an entry in ClinVar:

ClinVar aggregate classification (germline): Benign (0 of 4 stars; one submission).

Conditions:
TMED3-related disorder. Also called: TMED3-related condition.

Allele frequency attached by ClinVar (database versions not stated): 1000 Genomes Project 0.00100; 1000 Genomes Project 30x 0.00156; TOPMed 0.00367; gnomAD 0.00405; ExAC 0.00446; ESP Exome Variant Server 0.00524; gnomAD exomes 0.00635.
gnomAD v4.1: 9,784 of 1,614,224 alleles (0.61%); highest among the groups gnomAD compares: Non-Finnish European, 0.78%; 39 homozygotes.

Submission:

PreventionGenetics, part of Exact Sciences
Classification: Benign for TMED3-related condition. Last evaluated: 2019-06-10. Review status: no assertion criteria provided. Collection method: clinical testing. Allele origin: germline.
Comment: This variant is classified as benign based on ACMG/AMP sequence variant interpretation guidelines (Richards et al. 2015 PMID: 25741868, with internal and published modifications).

NM_007364.4(TMED3):c.272G>A (p.Arg91Gln)

Gene: TMED3 (transmembrane p24 trafficking protein 3; plus strand). Cytogenetic location: 15q25.1.
Variant type: single nucleotide variant.
Coding change: c.272G>A on transcript NM_007364.4 (MANE Select); coding-DNA position 272, G replaced by A.
Protein change: p.Arg91Gln; replaces arginine 91 with glutamine.
Molecular consequence: missense variant. On other transcripts: non-coding transcript variant (1).
Genome position (GRCh38, 1-based): chr15:79,313,860, G>A. VCF-style: chr15-79313860-G-A. GRCh37 (hg19) VCF-style: chr15-79606202-G-A.
Other names: c.272G>A, p.Arg91Gln (NM_001301203.3, NM_001330376.2, NM_001363735.2); short protein forms R91Q.
Identifiers: ClinVar variation 3033337 (VCV003033337.2), dbSNP rs147409522, ClinGen allele CA7689411.
Genomic context (GRCh38, chr15:79,313,860, plus strand): 5'-ACCCCCAGGGGAACACCATCTACAGAGAAACGAAGAAGCAGTACGACAGCTTCACGTACC[G>A]GGCTGAAGTCAAGGGCGTTTATCAGTTTTGCTTCAGTAATGAGTTTTCCACCTTCTCTCA-3'
Protein context (NP_031390.1, residues 81-101): TKKQYDSFTY[Arg91Gln]AEVKGVYQFC